The following is an entry in ClinVar:

ClinVar aggregate classification (germline): Likely benign. Review status: criteria provided, multiple submitters, no conflicts (2 of 4 stars). 2 submissions from 2 submitters: Likely benign (2). Last evaluated 2025-10-29.

Allele frequency attached by ClinVar (database versions not stated): gnomAD 0.00001 and 0.00002; gnomAD exomes 0.00001 and 0.00003; TOPMed 0.00001; ExAC 0.00004; 1000 Genomes Project 30x 0.00016; 1000 Genomes Project 0.00020.
gnomAD v4.1: 15 of 1,544,788 alleles (0.00097%); highest among the groups gnomAD compares: Middle Eastern, 0.034%; no homozygotes.

Submissions (2):

Labcorp Genetics (formerly Invitae), Labcorp
Classification: Likely benign. Last evaluated: 2025-10-29. Review status: criteria provided, single submitter. Criteria: Invitae Variant Classification Sherloc (09022015). Collection method: clinical testing. Allele origin: germline.

GeneDx
Classification: Likely benign. Last evaluated: 2017-03-03. Review status: criteria provided, single submitter. Criteria: GeneDx Variant Classification (06012015). Collection method: clinical testing. Allele origin: germline. Affected: yes.
Comment: This variant is considered likely benign or benign based on one or more of the following criteria: it is a conservative change, it occurs at a poorly conserved position in the protein, it is predicted to be benign by multiple in silico algorithms, and/or has population frequency not consistent with disease.

NM_018993.4(RIN2):c.2200+13G>A

Gene: RIN2 (Ras and Rab interactor 2; plus strand). Cytogenetic location: 20p11.23.
Variant type: single nucleotide variant.
Coding change: c.2200+13G>A on transcript NM_018993.4 (MANE Select); 13 bases into the intron after coding-DNA position 2200, G replaced by A.
Molecular consequence: intron variant.
Genome position (GRCh38, 1-based): chr20:19,992,312, G>A. VCF-style: chr20-19992312-G-A. GRCh37 (hg19) VCF-style: chr20-19972956-G-A.
Other names: c.1582+13G>A (NM_001378238.1); c.2347+13G>A (NM_001242581.2).
Identifiers: ClinVar variation 507702 (VCV000507702.6), dbSNP rs540448395, ClinGen allele CA9780236.
Genomic context (GRCh38, chr20:19,992,312, plus strand): 5'-TCGAGTACATGATGGAGCTCCTAGACCCATCGCTGTTACATGGAGAAGGTAACTGCTTTT[G>A]AGAAAAGTTGAAGGAACTGGGTGCTATTTTTTTCATTTTTTTATAATTGAGACGAAATTC-3'